The following is an entry in ClinVar:

NM_032620.4(GTPBP3):c.713G>T (p.Arg238Leu)

Gene: GTPBP3 (GTP binding protein 3, mitochondrial; plus strand). Cytogenetic location: 19p13.11.
Variant type: single nucleotide variant.
Coding change: c.713G>T on transcript NM_032620.4 (MANE Select); coding-DNA position 713, G replaced by T.
Protein change: p.Arg238Leu; replaces arginine 238 with leucine.
Molecular consequence: missense variant.
Genome position (GRCh38, 1-based): chr19:17,339,171, G>T. VCF-style: chr19-17339171-G-T. GRCh37 (hg19) VCF-style: chr19-17449980-G-T.
Other names: c.713G>T, p.Arg238Leu (NM_001128855.3); c.779G>T, p.Arg260Leu (NM_001195422.1); c.809G>T, p.Arg270Leu (NM_133644.4); short protein forms R238L, R260L, R270L.
Identifiers: ClinVar variation 3907864 (VCV003907864.1).

ClinVar aggregate classification (germline): Uncertain significance (1 of 4 stars; one submission).

gnomAD v4.1: 18 of 1,613,730 alleles (0.0011%); highest among the groups gnomAD compares: South Asian, 0.019%; no homozygotes.

Submission:

GeneDx
Classification: Uncertain significance. Last evaluated: 2024-12-30. Review status: criteria provided, single submitter. Criteria: GeneDx Variant Classification Process June 2021. Collection method: clinical testing. Allele origin: germline. Affected: yes.
Comment: Not observed at significant frequency in large population cohorts (gnomAD); In silico analysis supports that this missense variant has a deleterious effect on protein structure/function; Has not been previously published as pathogenic or benign to our knowledge